The following is an entry in ClinVar:

ClinVar aggregate classification (germline): Pathogenic (1 of 4 stars; one submission).

Conditions:
Long QT syndrome (LQTS). Identifiers: MedGen C0023976, MeSH D008133, MONDO:0002442. Disease mechanism: loss of function. Inheritance: Various modes of inheritance.

Submission:

Labcorp Genetics (formerly Invitae), Labcorp
Classification: Pathogenic for Long QT syndrome. Last evaluated: 2024-11-29. Review status: criteria provided, single submitter. Criteria: Invitae Variant Classification Sherloc (09022015). Collection method: clinical testing. Allele origin: germline.
Comment: This sequence change creates a premature translational stop signal (p.Ser930Valfs*7) in the ANK2 gene. It is expected to result in an absent or disrupted protein product. Loss-of-function variants in ANK2 are known to be pathogenic (PMID: 37195288). This variant is not present in population databases (gnomAD no frequency). This variant has not been reported in the literature in individuals affected with ANK2-related conditions. For these reasons, this variant has been classified as Pathogenic.

Literature cited by the submitters: PubMed 37195288.

NM_001148.6(ANK2):c.2784del (p.Ser930fs)

Gene: ANK2 (ankyrin 2; plus strand). Cytogenetic location: 4q26.
Variant type: Deletion.
Coding change: c.2784del on transcript NM_001148.6 (MANE Select); coding-DNA position 2784, one base deleted (T; older notation c.2784delT).
Protein change: p.Ser930fs; shifts the reading frame from serine 930.
Molecular consequence: frameshift variant.
Genome position (GRCh38, 1-based): chr4:113,317,797, T deleted; the last of 2 consecutive T bases (chr4:113,317,796-113,317,797); deleting either gives the same sequence. VCF-style (leftmost placement, unchanged base first): chr4-113317795-AT-A. GRCh37 (hg19) VCF-style: chr4-114238951-AT-A.
Other names: c.411del, p.Ser139fs (NM_001354278.2, NM_001354279.2, NM_001354280.2 and 2 more transcripts); c.2682del, p.Ser896fs (NM_001386142.1, NM_001354274.2, NM_001386154.1); c.2721del, p.Ser909fs (NM_001386143.1, NM_001127493.3, NM_001354255.2 and 3 more transcripts); c.2829del, p.Ser945fs (NM_001386144.1, NM_001354240.2, NM_001354241.2); c.2697del, p.Ser901fs (NM_001386146.1, NM_001386149.1, NM_001386150.1 and 7 more transcripts); c.2742del, p.Ser916fs (NM_001386147.1, NM_001354261.2); c.2769del, p.Ser925fs (NM_001386148.2, NM_001386186.2); c.2598del, p.Ser868fs (NM_001386151.1, NM_001354260.2, NM_001354271.2); and 17 more; short protein forms S835fs, S876fs, S896fs, S897fs, S911fs, S918fs, S925fs, S930fs.
Identifiers: ClinVar variation 3632705 (VCV003632705.2).
Genomic context (GRCh38, chr4:113,317,795, plus strand): 5'-CACACTCTGAGCCATGCCTCCTACCTGAGGGACAGTGCCGTGATGGATGACTCAGTTGTG[AT>A]TCCCAGTCACCAGGTATGTGACATTTTGCCTTCATGTCTTTGCTTTCTGGAGAGCTTTGT-3'